The following is an entry in ClinVar:

ClinVar aggregate classification (germline): Uncertain significance. Review status: criteria provided, multiple submitters, no conflicts (2 of 4 stars). 2 submissions from 2 submitters: Uncertain significance (2). Last evaluated 2025-02-25.

Conditions:
Cardiovascular phenotype. Identifiers: MedGen CN230736.

Allele frequency attached by ClinVar (database versions not stated): gnomAD exomes below 0.00001.
gnomAD v4.1: 1 of 1,613,848 alleles (0.000062%); highest among the groups gnomAD compares: Non-Finnish European, 0.000085%; no homozygotes.

Submissions (2):

ARUP Laboratories, Molecular Genetics and Genomics, ARUP Laboratories
Classification: Uncertain significance. Last evaluated: 2025-02-25. Review status: criteria provided, single submitter. Criteria: ARUP Molecular Germline Variant Investigation Process 2024. Collection method: clinical testing. Allele origin: germline.
Comment: The MYBPC3 c.3560T>C; p.Leu1187Pro variant, to our knowledge, is not reported in the medical literature but is reported in ClinVar (Variation ID: 1732705). This variant is absent from the Genome Aggregation Database (v2.1.1), indicating it is not a common polymorphism. Computational analyses predict that this variant is deleterious (REVEL: 0.813). Due to limited information, the clinical significance of this variant is uncertain at this time.

Ambry Genetics
Classification: Uncertain significance for Cardiovascular phenotype. Last evaluated: 2022-01-12. Review status: criteria provided, single submitter. Criteria: Ambry Variant Classification Scheme 2023. Collection method: clinical testing. Allele origin: germline.
Comment: The p.L1187P variant (also known as c.3560T>C), located in coding exon 32 of the MYBPC3 gene, results from a T to C substitution at nucleotide position 3560. The leucine at codon 1187 is replaced by proline, an amino acid with similar properties. This amino acid position is conserved. In addition, this alteration is predicted to be deleterious by in silico analysis. Since supporting evidence is limited at this time, the clinical significance of this alteration remains unclear.

NM_000256.3(MYBPC3):c.3560T>C (p.Leu1187Pro)

Gene: MYBPC3 (myosin binding protein C3; minus strand). Cytogenetic location: 11p11.2.
Variant type: single nucleotide variant.
Coding change: c.3560T>C on transcript NM_000256.3 (MANE Select); coding-DNA position 3560, T replaced by C.
Protein change: p.Leu1187Pro; replaces leucine 1187 with proline.
Molecular consequence: missense variant.
Genome position (GRCh38, 1-based): chr11:47,332,633, A>G on the plus strand (T>C on the coding strand, the complement: MYBPC3 is on the minus strand). VCF-style: chr11-47332633-A-G. GRCh37 (hg19) VCF-style: chr11-47354184-A-G.
Other names: short protein forms L1187P.
Identifiers: ClinVar variation 1732705 (VCV001732705.3), dbSNP rs2495738024, ClinGen allele CA380312567.